The following is an entry in ClinVar:

NM_000540.3(RYR1):c.8816G>A (p.Arg2939Lys)

Gene: RYR1 (ryanodine receptor 1; plus strand). Cytogenetic location: 19q13.2.
Variant type: single nucleotide variant.
Coding change: c.8816G>A on transcript NM_000540.3 (MANE Select); coding-DNA position 8816, G replaced by A.
Protein change: p.Arg2939Lys; replaces arginine 2939 with lysine.
Molecular consequence: missense variant.
Genome position (GRCh38, 1-based): chr19:38,506,952, G>A. VCF-style: chr19-38506952-G-A. GRCh37 (hg19) VCF-style: chr19-38997592-G-A.
Other names: c.8816G>A, p.Arg2939Lys (NM_001042723.2); short protein forms R2939K.
Identifiers: ClinVar variation 65982 (VCV000065982.11), dbSNP rs118192125, ClinGen allele CA024952.

ClinVar aggregate classification (germline): Conflicting classifications of pathogenicity. Review status: criteria provided, conflicting classifications (1 of 4 stars). 5 submissions from 5 submitters: Pathogenic (1); Uncertain significance (2). 2 of the submissions do not count toward it. Last evaluated 2024-09-17.

Conditions:
Malignant hyperthermia, susceptibility to, 1 (MHS1). Also called: Anesthesia related hyperthermia; Malignant hyperpyrexia; Fulminating hyperpyrexia; Pharmacogenic myopathy; RYR1-Related Malignant Hyperthermia Susceptibility; Malignant hyperthermia suceptibility 1. Identifiers: Orphanet 423, MedGen C2930980, MONDO:0007783, OMIM 145600.
RYR1-related disorder. Also called: RYR1-related disorders; RYR1-related condition. Identifiers: MedGen CN239331.
Central core myopathy (CMYO1A). Also called: CONGENITAL MYOPATHY 1A, AUTOSOMAL DOMINANT, WITH SUSCEPTIBILITY TO MALIGNANT HYPERTHERMIA; Central core disease; Myopathy, central fibrillar. Identifiers: Orphanet 597, MedGen C5830701, MONDO:0007294, OMIM 117000.

Allele frequency attached by ClinVar (database versions not stated): gnomAD exomes 0.00001.
gnomAD v4.1: 8 of 1,612,550 alleles (0.0005%); highest among the groups gnomAD compares: Non-Finnish European, 0.00068%; no homozygotes.

Submissions (5):

Labcorp Genetics (formerly Invitae), Labcorp
Classification: Pathogenic for RYR1-related disorder. Last evaluated: 2024-09-17. Review status: criteria provided, single submitter. Criteria: Invitae Variant Classification Sherloc (09022015). Collection method: clinical testing. Allele origin: germline.
Comment: This sequence change replaces arginine, which is basic and polar, with lysine, which is basic and polar, at codon 2939 of the RYR1 protein (p.Arg2939Lys). This variant also falls at the last nucleotide of exon 57, which is part of the consensus splice site for this exon. This variant is not present in population databases (gnomAD no frequency). This missense change has been observed in individual(s) with autosomal recessive congenital myopathy (PMID: 17483490, 20080402; internal data). In at least one individual the data is consistent with being in trans (on the opposite chromosome) from a pathogenic variant. ClinVar contains an entry for this variant (Variation ID: 65982). An algorithm developed to predict the effect of missense changes on protein structure and function (PolyPhen-2) suggests that this variant is likely to be tolerated. Variants that disrupt the consensus splice site are a relatively common cause of aberrant splicing (PMID: 17576681, 9536098). Algorithms developed to predict the effect of sequence changes on RNA splicing suggest that this variant may disrupt the consensus splice site. For these reasons, this variant has been classified as Pathogenic.

All of Us Research Program, National Institutes of Health
Classification: Uncertain significance for Malignant hyperthermia, susceptibility to, 1. Last evaluated: 2023-10-02. Review status: criteria provided, single submitter. Criteria: ACMG Guidelines, 2015. Collection method: clinical testing. Allele origin: germline. Inheritance: Autosomal dominant inheritance. Observed: 1 variant allele, 1 heterozygote.
Comment: This missense variant replaces arginine with lysine at codon 2939 of the RYR1 protein. Computational prediction suggests that this variant may have deleterious impact on protein structure and function (internally defined REVEL score threshold >= 0.7, PMID: 27666373). In addition, this variant changes the last c.G nucleotide of exon 57 and is predicted to disrupt RNA splicing. To our knowledge, functional studies have not been reported for this variant. This variant has not been reported in individuals affected with autosomal dominant malignant hyperthermia in the literature, although it is associated with other phenotype(s) (ClinVar variation ID: 65982). This variant has not been identified in the general population by the Genome Aggregation Database (gnomAD). Due to insufficient evidence, this variant is classified as a Variant of Uncertain Significance for autosomal dominant malignant hyperthermia.

This study involves interpretation of variants in research participants for the purpose of population health screening. Participant phenotype was not available at the time of variant classification. Additional details can be found in publication PMID: 35346344, PMCID: PMC8962531

Color Diagnostics, LLC DBA Color Health
Classification: Uncertain significance for Malignant hyperthermia, susceptibility to, 1. Last evaluated: 2023-09-11. Review status: criteria provided, single submitter. Criteria: ACMG Guidelines, 2015. Collection method: clinical testing. Allele origin: germline.
Comment: This missense variant replaces arginine with lysine at codon 2939 of the RYR1 protein. Computational prediction suggests that this variant may have deleterious impact on protein structure and function. In addition, this variant changes the last c.G nucleotide of exon 57 and is predicted to disrupt RNA splicing. To our knowledge, functional studies have not been reported for this variant. This variant has not been reported in individuals affected with autosomal dominant malignant hyperthermia in the literature, although it is associated with other phenotype(s) (ClinVar variation ID: 65982). This variant has not been identified in the general population by the Genome Aggregation Database (gnomAD). Due to insufficient evidence, this variant is classified as a Variant of Uncertain Significance for autosomal dominant malignant hyperthermia.

GeneReviews
Classification: Pathogenic for Central Core Disease. Last evaluated: 2010-05-11. Review status: no assertion criteria provided. Collection method: curation. Allele origin: unknown. Not counted in ClinVar's aggregate classification.
ClinVar note: Converted during submission from pathologic to Pathogenic.

RYR1 database
No classification provided. Review status: no classification provided. Collection method: not provided. Allele origin: unknown. Not counted in ClinVar's aggregate classification.

Literature cited by the submitters: PubMed 17483490 (cited by Labcorp Genetics (formerly Invitae), Labcorp); PubMed 20080402 (cited by Labcorp Genetics (formerly Invitae), Labcorp); PubMed 17576681 (cited by Labcorp Genetics (formerly Invitae), Labcorp); PubMed 9536098 (cited by Labcorp Genetics (formerly Invitae), Labcorp).